The following is an entry in ClinVar:

NM_006545.5(NPRL2):c.781C>T (p.Gln261Ter)

Gene: NPRL2 (NPR2 like, GATOR1 complex subunit; minus strand). Cytogenetic location: 3p21.31.
Variant type: single nucleotide variant.
Coding change: c.781C>T on transcript NM_006545.5 (MANE Select); coding-DNA position 781, C replaced by T.
Protein change: p.Gln261Ter; replaces glutamine 261 with a stop codon.
Molecular consequence: nonsense.
Genome position (GRCh38, 1-based): chr3:50,348,350, G>A on the plus strand (C>T on the coding strand, the complement: NPRL2 is on the minus strand). VCF-style: chr3-50348350-G-A. GRCh37 (hg19) VCF-style: chr3-50385781-G-A.
Other names: short protein forms Q261*.
Identifiers: ClinVar variation 4890772 (VCV004890772.1).

ClinVar aggregate classification (germline): Likely pathogenic (1 of 4 stars; one submission).

Conditions:
Epilepsy, familial focal, with variable foci 2 (FFEVF2). Identifiers: MedGen C4310709, MONDO:0014924, OMIM 617116.

Submission:

Solve-RD Consortium
Classification: Likely pathogenic for Epilepsy, familial focal, with variable foci 2. Review status: criteria provided, single submitter. Criteria: ACMG Guidelines, 2015. Collection method: provider interpretation. Allele origin: germline. Inheritance: Autosomal dominant inheritance. Affected: yes. Study: Solve-RD DIFT-EpiCARE reanalysis.
Comment: PVS1, PM2

Variant identified during reanalysis of unsolved cases by the Solve-RD project. The Solve-RD project has received funding from the European Union’s Horizon 2020 research and innovation programme under grant agreement No 779257.